The following is an entry in ClinVar:

NM_032119.4(ADGRV1):c.16448T>A (p.Phe5483Tyr)

Gene: ADGRV1 (adhesion G protein-coupled receptor V1; plus strand). Cytogenetic location: 5q14.3.
Variant type: single nucleotide variant.
Coding change: c.16448T>A on transcript NM_032119.4 (MANE Select); coding-DNA position 16448, T replaced by A.
Protein change: p.Phe5483Tyr; replaces phenylalanine 5483 with tyrosine.
Molecular consequence: missense variant. On other transcripts: non-coding transcript variant (1).
Genome position (GRCh38, 1-based): chr5:90,829,023, T>A. VCF-style: chr5-90829023-T-A. GRCh37 (hg19) VCF-style: chr5-90124840-T-A.
Other names: short protein forms F5483Y.
Identifiers: ClinVar variation 4680935 (VCV004680935.1).

ClinVar aggregate classification (germline): Uncertain significance (1 of 4 stars; one submission).

Submission:

GeneDx
Classification: Uncertain significance. Last evaluated: 2025-06-30. Review status: criteria provided, single submitter. Criteria: GeneDx Variant Classification Process June 2021. Collection method: clinical testing. Allele origin: germline. Affected: yes.
Comment: Not observed at significant frequency in large population cohorts (gnomAD); In silico analysis suggests that this missense variant does not alter protein structure/function; Has not been previously published as pathogenic or benign to our knowledge